The following is an entry in ClinVar:

NM_004082.5(DCTN1):c.1183A>G (p.Met395Val)

Gene: DCTN1 (dynactin subunit 1; minus strand). Cytogenetic location: 2p13.1.
Variant type: single nucleotide variant.
Coding change: c.1183A>G on transcript NM_004082.5 (MANE Select); coding-DNA position 1183, A replaced by G.
Protein change: p.Met395Val; replaces methionine 395 with valine.
Molecular consequence: missense variant. On other transcripts: non-coding transcript variant (1).
Genome position (GRCh38, 1-based): chr2:74,370,290, T>C on the plus strand (A>G on the coding strand, the complement: DCTN1 is on the minus strand). VCF-style: chr2-74370290-T-C. GRCh37 (hg19) VCF-style: chr2-74597417-T-C.
Other names: c.1114A>G, p.Met372Val (NM_001378992.1); c.781A>G, p.Met261Val (NM_023019.4, NM_001135041.3); c.1123A>G, p.Met375Val (NM_001135040.3); c.1072A>G, p.Met358Val (NM_001190836.2); c.1162A>G, p.Met388Val (NM_001190837.2); c.1132A>G, p.Met378Val (NM_001378991.1); short protein forms M261V, M358V, M372V, M375V, M378V, M388V, M395V.
Identifiers: ClinVar variation 4530954 (VCV004530954.1).
Genomic context (GRCh38, chr2:74,370,290, plus strand): 5'-CCTCCTGCAGACGCTCCCGCTGTTGCCTCACAACTTCCAGCTCTTGGTTCTTCTTTTCCA[T>C]GAGCTTCTGGAGCTTCACATGCTCCTGCTTCTCTGAGGAAGAAAGATCCCGCATCCTGCA-3'
Protein context (NP_004073.2, residues 385-405): KQEHVKLQKL[Met395Val]EKKNQELEVV

ClinVar aggregate classification (germline): Uncertain significance (1 of 4 stars; one submission).

Submission:

GeneDx
Classification: Uncertain significance. Last evaluated: 2025-05-18. Review status: criteria provided, single submitter. Criteria: GeneDx Variant Classification Process June 2021. Collection method: clinical testing. Allele origin: germline. Affected: yes.
Comment: Not observed at significant frequency in large population cohorts (gnomAD); In silico analysis suggests that this missense variant does not alter protein structure/function; Has not been previously published as pathogenic or benign to our knowledge